The following is an entry in ClinVar:

NM_004484.4(GPC3):c.472G>C (p.Gly158Arg)

Gene: GPC3 (glypican 3; minus strand). Cytogenetic location: Xq26.2.
Variant type: single nucleotide variant.
Coding change: c.472G>C on transcript NM_004484.4 (MANE Select); coding-DNA position 472, G replaced by C.
Protein change: p.Gly158Arg; replaces glycine 158 with arginine.
Molecular consequence: missense variant.
Genome position (GRCh38, 1-based): chrX:133,754,042, C>G on the plus strand (G>C on the coding strand, the complement: GPC3 is on the minus strand). VCF-style: chrX-133754042-C-G. GRCh37 (hg19) VCF-style: chrX-132888069-C-G.
Other names: c.472G>C, p.Gly158Arg (NM_001164617.2); c.424G>C, p.Gly142Arg (NM_001164618.2); c.310G>C, p.Gly104Arg (NM_001164619.2); short protein forms G104R, G158R, G142R.
Identifiers: ClinVar variation 1442949 (VCV001442949.8), dbSNP rs2124480744, ClinGen allele CA414706554.

ClinVar aggregate classification (germline): Uncertain significance (1 of 4 stars; one submission).

Conditions:
Wilms tumor 1 (WT1). Also called: Wilms tumor, somatic. Identifiers: Orphanet 654, MedGen CN033288, MONDO:0008679, OMIM 194070.

Submission:

Labcorp Genetics (formerly Invitae), Labcorp
Classification: Uncertain significance for Wilms tumor 1. Last evaluated: 2022-10-13. Review status: criteria provided, single submitter. Criteria: Invitae Variant Classification Sherloc (09022015). Collection method: clinical testing. Allele origin: germline.
Comment: In summary, the available evidence is currently insufficient to determine the role of this variant in disease. Therefore, it has been classified as a Variant of Uncertain Significance. Advanced modeling of protein sequence and biophysical properties (such as structural, functional, and spatial information, amino acid conservation, physicochemical variation, residue mobility, and thermodynamic stability) performed at Invitae indicates that this missense variant is expected to disrupt GPC3 protein function. ClinVar contains an entry for this variant (Variation ID: 1442949). This variant has not been reported in the literature in individuals affected with GPC3-related conditions. This variant is not present in population databases (gnomAD no frequency). This sequence change replaces glycine, which is neutral and non-polar, with arginine, which is basic and polar, at codon 158 of the GPC3 protein (p.Gly158Arg).